The following is an entry in ClinVar:

NM_001367943.1(TCF7L2):c.1231A>G (p.Met411Val)

Gene: TCF7L2 (transcription factor 7 like 2; plus strand). Cytogenetic location: 10q25.3.
Variant type: single nucleotide variant.
Coding change: c.1231A>G on transcript NM_001367943.1 (MANE Select); coding-DNA position 1231, A replaced by G.
Protein change: p.Met411Val; replaces methionine 411 with valine.
Molecular consequence: missense variant.
Genome position (GRCh38, 1-based): chr10:113,152,402, A>G. VCF-style: chr10-113152402-A-G. GRCh37 (hg19) VCF-style: chr10-114912161-A-G.
Other names: c.1231A>G, p.Met411Val (NM_001146274.2, NM_001198531.2, NM_001363501.2); c.1303A>G, p.Met435Val (NM_001146283.2); c.1150A>G, p.Met384Val (NM_001146284.2, NM_001198527.2); c.1162A>G, p.Met388Val (NM_001146285.2, NM_001146286.2, NM_001198526.2 and 3 more transcripts); c.1177A>G, p.Met393Val (NM_001198525.2); c.1060A>G, p.Met354Val (NM_001198530.2); c.802A>G, p.Met268Val (NM_001349870.2); c.682A>G, p.Met228Val (NM_001349871.1); short protein forms M411V, M384V, M388V, M393V, M435V, M228V, M268V, M354V.
Identifiers: ClinVar variation 4632870 (VCV004632870.1).

ClinVar aggregate classification (germline): Likely pathogenic (1 of 4 stars; one submission).

Conditions:
Inborn genetic diseases. Identifiers: MedGen C0950123, MeSH D030342.

Submission:

Ambry Genetics
Classification: Likely pathogenic for Inborn genetic diseases. Last evaluated: 2025-11-06. Review status: criteria provided, single submitter. Criteria: Ambry Variant Classification Scheme 2023. Collection method: clinical testing. Allele origin: germline.
Comment: The c.1231A>G (p.M411V) alteration is located in exon 11 (coding exon 11) of the TCF7L2 gene. This alteration results from an A to G substitution at nucleotide position 1231, causing the methionine (M) at amino acid position 411 to be replaced by a valine (V). This variant was not reported in population-based cohorts in the Genome Aggregation Database (gnomAD). This amino acid position is well conserved in available vertebrate species. This missense alteration is located in a region that has a low rate of benign missense variation (Lek, 2016; Firth, 2009). The p.M411V amino acid is located within the HMG box domain of TCF7L2 (Dias, 2021). This alteration is predicted to be deleterious by in silico analysis. Based on the available evidence, this alteration is classified as likely pathogenic.

Literature cited by the submitters: PubMed 34003604.